The following is an entry in ClinVar:

NM_205861.3(DHDDS):c.411A>C (p.Gln137His)

Gene: DHDDS (dehydrodolichyl diphosphate synthase subunit; plus strand). Cytogenetic location: 1p36.11.
Variant type: single nucleotide variant.
Coding change: c.411A>C on transcript NM_205861.3 (MANE Select); coding-DNA position 411, A replaced by C.
Protein change: p.Gln137His; replaces glutamine 137 with histidine.
Molecular consequence: missense variant. On other transcripts: intron variant (1).
Genome position (GRCh38, 1-based): chr1:26,446,403, A>C. VCF-style: chr1-26446403-A-C. GRCh37 (hg19) VCF-style: chr1-26772894-A-C.
Other names: c.411A>C, p.Gln137His (NM_001243564.2, NM_024887.4); c.132A>C, p.Gln44His (NM_001319959.2); c.324-1156A>C (NM_001243565.2); short protein forms Q137H, Q44H.
Identifiers: ClinVar variation 1360560 (VCV001360560.8), dbSNP rs1356542583, ClinGen allele CA339142768.

ClinVar aggregate classification (germline): Uncertain significance (1 of 4 stars; one submission).

Conditions:
Retinitis pigmentosa 59 (RP59). Identifiers: Orphanet 791, MedGen C3151227, MONDO:0013468, OMIM 613861.

Allele frequency attached by ClinVar (database versions not stated): TOPMed below 0.00001.

Submission:

Labcorp Genetics (formerly Invitae), Labcorp
Classification: Uncertain significance for Retinitis pigmentosa 59. Last evaluated: 2022-07-11. Review status: criteria provided, single submitter. Criteria: Invitae Variant Classification Sherloc (09022015). Collection method: clinical testing. Allele origin: germline.
Comment: In summary, the available evidence is currently insufficient to determine the role of this variant in disease. Therefore, it has been classified as a Variant of Uncertain Significance. Algorithms developed to predict the effect of missense changes on protein structure and function output the following: SIFT: "Tolerated"; PolyPhen-2: "Benign"; Align-GVGD: "Class C0". The histidine amino acid residue is found in multiple mammalian species, which suggests that this missense change does not adversely affect protein function. ClinVar contains an entry for this variant (Variation ID: 1360560). This variant has not been reported in the literature in individuals affected with DHDDS-related conditions. This variant is not present in population databases (gnomAD no frequency). This sequence change replaces glutamine, which is neutral and polar, with histidine, which is basic and polar, at codon 137 of the DHDDS protein (p.Gln137His).